The following is an entry in ClinVar:

NM_004385.5(VCAN):c.3544T>C (p.Ser1182Pro)

Gene: VCAN (versican; plus strand). Cytogenetic location: 5q14.3.
Variant type: single nucleotide variant.
Coding change: c.3544T>C on transcript NM_004385.5 (MANE Select); coding-DNA position 3544, T replaced by C.
Protein change: p.Ser1182Pro; replaces serine 1182 with proline.
Molecular consequence: missense variant. On other transcripts: intron variant (2).
Genome position (GRCh38, 1-based): chr5:83,521,850, T>C. VCF-style: chr5-83521850-T-C. GRCh37 (hg19) VCF-style: chr5-82817669-T-C.
Other names: c.3544T>C, p.Ser1182Pro (NM_001164098.2); c.1042+9454T>C (NM_001164097.2, NM_001126336.3); short protein forms S1182P.
Identifiers: ClinVar variation 2973473 (VCV002973473.3), dbSNP rs1477991721, ClinGen allele CA360306291.

ClinVar aggregate classification (germline): Uncertain significance (1 of 4 stars; one submission).

gnomAD v4.1: 2 of 1,614,154 alleles (0.00012%); highest among the groups gnomAD compares: Non-Finnish European, 0.000085%; no homozygotes.

Submission:

Labcorp Genetics (formerly Invitae), Labcorp
Classification: Uncertain significance. Last evaluated: 2022-12-27. Review status: criteria provided, single submitter. Criteria: Invitae Variant Classification Sherloc (09022015). Collection method: clinical testing. Allele origin: germline.
Comment: This sequence change replaces serine, which is neutral and polar, with proline, which is neutral and non-polar, at codon 1182 of the VCAN protein (p.Ser1182Pro). This variant is not present in population databases (gnomAD no frequency). In summary, the available evidence is currently insufficient to determine the role of this variant in disease. Therefore, it has been classified as a Variant of Uncertain Significance. Algorithms developed to predict the effect of missense changes on protein structure and function (SIFT, PolyPhen-2, Align-GVGD) all suggest that this variant is likely to be disruptive. This variant has not been reported in the literature in individuals affected with VCAN-related conditions.